The following is an entry in ClinVar:

ClinVar aggregate classification (germline): Conflicting classifications of pathogenicity. Review status: criteria provided, conflicting classifications (1 of 4 stars). 2 submissions from 2 submitters: Uncertain significance (1); Likely benign (1). Last evaluated 2025-07-08.

Conditions:
Cardiovascular phenotype. Identifiers: MedGen CN230736.

Allele frequency attached by ClinVar (database versions not stated): TOPMed below 0.00001.
gnomAD v4.1: 10 of 1,586,182 alleles (0.00063%); highest among the groups gnomAD compares: Non-Finnish European, 0.00086%; no homozygotes.

Submissions (2):

Women's Health and Genetics/Laboratory Corporation of America, LabCorp
Classification: Uncertain significance. Last evaluated: 2025-07-08. Review status: criteria provided, single submitter. Criteria: LabCorp Variant Classification Summary - May 2015. Collection method: clinical testing. Allele origin: germline.
Comment: Variant summary: TNXB c.1053C>G alters a non-conserved nucleotide resulting in a synonymous change. Several computational tools predict a significant impact on normal splicing: Three predict the variant creates a 5' donor site. However, these predictions have yet to be confirmed by functional studies. The variant was absent in 200100 control chromosomes. The available data on variant occurrences in the general population are insufficient to allow any conclusion about variant significance. To our knowledge, no occurrence of c.1053C>G in individuals affected with Ehlers-Danlos syndrome due to tenascin-X deficiency and no experimental evidence demonstrating its impact on protein function have been reported. ClinVar contains an entry for this variant (Variation ID: 2624729). Based on the evidence outlined above, the variant was classified as uncertain significance.

Ambry Genetics
Classification: Likely benign for Cardiovascular phenotype. Last evaluated: 2023-08-03. Review status: criteria provided, single submitter. Criteria: Ambry Variant Classification Scheme 2023. Collection method: clinical testing. Allele origin: germline.

NM_001365276.2(TNXB):c.1053C>G (p.Arg351=)

Gene: TNXB (tenascin XB; minus strand). Cytogenetic location: 6p21.33.
Variant type: single nucleotide variant.
Coding change: c.1053C>G on transcript NM_001365276.2 (MANE Select); coding-DNA position 1053, C replaced by G.
Protein change: p.Arg351=; no amino-acid change (arginine 351 retained).
Molecular consequence: synonymous variant.
Genome position (GRCh38, 1-based): chr6:32,096,800, G>C on the plus strand (C>G on the coding strand, the complement: TNXB is on the minus strand). VCF-style: chr6-32096800-G-C. GRCh37 (hg19) VCF-style: chr6-32064577-G-C.
Other names: c.1053C>G, p.Arg351= (NM_019105.8).
Identifiers: ClinVar variation 2624729 (VCV002624729.3), dbSNP rs1780417131, ClinGen allele CA449823757.
Genomic context (GRCh38, chr6:32,096,800, plus strand): 5'-CCGCGTGCTGCAGTCCTCGCCTGTGTACCCGGGCCAGCACACGCAGCGGCCGTCCACGCA[G>C]CGCCCGCCCTCGCCACAGTCCCAGGGGCAGCTCCGCGTACCACAGTCCTCGCCAGTGTAG-3'
Protein context (NP_001352205.1, residues 341-361): SCPWDCGEGG[Arg351=]CVDGRCVCWP